The following is an entry in ClinVar:

ClinVar aggregate classification (germline): Uncertain significance (1 of 4 stars; one submission).

Conditions:
Inborn genetic diseases. Identifiers: MedGen C0950123, MeSH D030342.

gnomAD v4.1: 2 of 1,611,812 alleles (0.00012%); highest among the groups gnomAD compares: African/African-American, 0.0013%; no homozygotes.

Submission:

Ambry Genetics
Classification: Uncertain significance for Inborn genetic diseases. Last evaluated: 2025-11-26. Review status: criteria provided, single submitter. Criteria: Ambry Variant Classification Scheme 2023. Collection method: clinical testing. Allele origin: germline.
Comment: The p.S1238G variant (also known as c.3712A>G), located in coding exon 14 of the FANCM gene, results from an A to G substitution at nucleotide position 3712. The serine at codon 1238 is replaced by glycine, an amino acid with similar properties. This amino acid position is conserved. In addition, this alteration is predicted to be tolerated by in silico analysis. Based on the available evidence, the clinical significance of this variant remains unclear.

NM_020937.4(FANCM):c.3712A>G (p.Ser1238Gly)

Gene: FANCM (FA complementation group M; plus strand). Cytogenetic location: 14q21.2.
Variant type: single nucleotide variant.
Coding change: c.3712A>G on transcript NM_020937.4 (MANE Select); coding-DNA position 3712, A replaced by G.
Protein change: p.Ser1238Gly; replaces serine 1238 with glycine.
Molecular consequence: missense variant.
Genome position (GRCh38, 1-based): chr14:45,176,466, A>G. VCF-style: chr14-45176466-A-G. GRCh37 (hg19) VCF-style: chr14-45645669-A-G.
Other names: c.3634A>G, p.Ser1212Gly (NM_001308133.2); short protein forms S1238G, S1212G.
Identifiers: ClinVar variation 4619611 (VCV004619611.1).
Genomic context (GRCh38, chr14:45,176,466, plus strand): 5'-GAGGATATTTTTGATTGCTCTAGGGATTTATTTTCTGTTACCTTTGATTTAGGATTCTGT[A>G]GTCCAGATTCTGATGATGAAATATTGGAACATACATCAGATAGCAATAGACCTCTAGATG-3'
Protein context (NP_065988.1, residues 1228-1248): FSVTFDLGFC[Ser1238Gly]PDSDDEILEH